The following is an entry in ClinVar:

NM_005634.3(SOX3):c.310G>A (p.Gly104Arg)

Gene: SOX3 (SRY-box transcription factor 3; minus strand). Cytogenetic location: Xq27.1.
Variant type: single nucleotide variant.
Coding change: c.310G>A on transcript NM_005634.3 (MANE Select); coding-DNA position 310, G replaced by A.
Protein change: p.Gly104Arg; replaces glycine 104 with arginine.
Molecular consequence: missense variant.
Genome position (GRCh38, 1-based): chrX:140,504,751, C>T on the plus strand (G>A on the coding strand, the complement: SOX3 is on the minus strand). VCF-style: chrX-140504751-C-T. GRCh37 (hg19) VCF-style: chrX-139586916-C-T.
Other names: c.310G>A (NM_005634.2); short protein forms G104R.
Identifiers: ClinVar variation 1413844 (VCV001413844.7), dbSNP rs780905183, ClinGen allele CA10531659.

ClinVar aggregate classification (germline): Conflicting classifications of pathogenicity. Review status: criteria provided, conflicting classifications (1 of 4 stars). 2 submissions from 2 submitters: Uncertain significance (1); Benign (1). Last evaluated 2024-12-02.

Allele frequency attached by ClinVar (database versions not stated): ExAC 0.00003; TOPMed 0.00008; gnomAD exomes 0.00009 and 0.00010; gnomAD 0.00012 and 0.00013.

Submissions (2):

Labcorp Genetics (formerly Invitae), Labcorp
Classification: Benign. Last evaluated: 2024-12-02. Review status: criteria provided, single submitter. Criteria: Invitae Variant Classification Sherloc (09022015). Collection method: clinical testing. Allele origin: germline.

Ambry Genetics
Classification: Uncertain significance. Last evaluated: 2021-06-22. Review status: criteria provided, single submitter. Criteria: Ambry Variant Classification Scheme 2023. Collection method: clinical testing. Allele origin: germline.
Comment: The c.310G>A (p.G104R) alteration is located in exon 1 (coding exon 1) of the SOX3 gene. This alteration results from a G to A substitution at nucleotide position 310, causing the glycine (G) at amino acid position 104 to be replaced by an arginine (R). The p.G104R alteration is predicted to be tolerated by in silico analysis. Based on insufficient or conflicting evidence, the clinical significance of this alteration remains unclear.